The following is an entry in ClinVar:

NM_000784.4(CYP27A1):c.1477-3C>A

Gene: CYP27A1 (cytochrome P450 family 27 subfamily A member 1; plus strand). Cytogenetic location: 2q35.
Variant type: single nucleotide variant.
Coding change: c.1477-3C>A on transcript NM_000784.4 (MANE Select); 3 bases into the intron before coding-DNA position 1477, C replaced by A.
Molecular consequence: intron variant.
Genome position (GRCh38, 1-based): chr2:218,814,908, C>A. VCF-style: chr2-218814908-C-A. GRCh37 (hg19) VCF-style: chr2-219679631-C-A.
Other names: c.1477-3C>A (NM_000784.3).
Identifiers: ClinVar variation 1447408 (VCV001447408.8), dbSNP rs78938783, ClinGen allele CA2112923.

ClinVar aggregate classification (germline): Uncertain significance. Review status: criteria provided, multiple submitters, no conflicts (2 of 4 stars). 3 submissions from 3 submitters: Uncertain significance (2). 1 of the submissions does not count toward it. Last evaluated 2026-08-21.

Conditions:
Cholestanol storage disease (CTX). Also called: Cerebrotendinous Xanthomatosis; CTX: Cerebrotendinous xanthomatosis; CEREBRAL CHOLESTERINOSIS. Identifiers: Orphanet 909, MedGen C0238052, MONDO:0008948, OMIM 213700.
Cardiovascular phenotype. Identifiers: MedGen CN230736.
CYP27A1-related disorder. Also called: CYP27A1-related condition.

gnomAD v4.1: 33 of 1,614,104 alleles (0.002%); highest among the groups gnomAD compares: Non-Finnish European, 0.0027%; no homozygotes.

Submissions (3):

Ambry Genetics
Classification: Uncertain significance for Cardiovascular phenotype. Last evaluated: 2026-08-21. Review status: criteria provided, single submitter. Criteria: Ambry Variant Classification Scheme 2023. Collection method: clinical testing. Allele origin: germline.
Comment: The c.1477-3C>A intronic variant results from a C to A substitution 3 nucleotides upstream from coding exon 9 in the CYP27A1 gene. This nucleotide position is highly conserved in available vertebrate species. In silico splice site analysis predicts that this alteration may result in the creation or strengthening of a novel splice acceptor site. Based on the available evidence, the clinical significance of this variant remains unclear.

Labcorp Genetics (formerly Invitae), Labcorp
Classification: Uncertain significance for Cholestanol storage disease. Last evaluated: 2022-01-14. Review status: criteria provided, single submitter. Criteria: Invitae Variant Classification Sherloc (09022015). Collection method: clinical testing. Allele origin: germline.
Comment: This sequence change falls in intron 8 of the CYP27A1 gene. It does not directly change the encoded amino acid sequence of the CYP27A1 protein. It affects a nucleotide within the consensus splice site. This variant is present in population databases (rs78938783, gnomAD 0.003%). This variant has not been reported in the literature in individuals affected with CYP27A1-related conditions. Variants that disrupt the consensus splice site are a relatively common cause of aberrant splicing (PMID: 17576681, 9536098). Algorithms developed to predict the effect of sequence changes on RNA splicing suggest that this variant may disrupt the consensus splice site. In summary, the available evidence is currently insufficient to determine the role of this variant in disease. Therefore, it has been classified as a Variant of Uncertain Significance.

PreventionGenetics, part of Exact Sciences
Classification: Uncertain significance for CYP27A1-related condition. Last evaluated: 2023-11-27. Review status: no assertion criteria provided. Collection method: clinical testing. Allele origin: germline. Not counted in ClinVar's aggregate classification.
Comment: The CYP27A1 c.1477-3C>A variant is predicted to interfere with splicing. To our knowledge, this variant in the homozygous condition was reported in a young child with mental retardation and ataxia (see patient 17-7122 in Table S1, Monies. 2019. PubMed ID: 31130284). This variant is reported in 0.0031% of alleles in individuals of European (Non-Finnish) descent in gnomAD. At this time, the clinical significance of this variant is uncertain due to the absence of conclusive functional and genetic evidence.

Literature cited by the submitters: PubMed 17576681 (cited by Labcorp Genetics (formerly Invitae), Labcorp); PubMed 9536098 (cited by Labcorp Genetics (formerly Invitae), Labcorp).